The following is an entry in ClinVar:

NM_173689.7(CRB2):c.3590G>A (p.Cys1197Tyr)

Gene: CRB2 (crumbs cell polarity complex component 2; plus strand). Cytogenetic location: 9q33.3.
Variant type: single nucleotide variant.
Coding change: c.3590G>A on transcript NM_173689.7 (MANE Select); coding-DNA position 3590, G replaced by A.
Protein change: p.Cys1197Tyr; replaces cysteine 1197 with tyrosine.
Molecular consequence: missense variant. On other transcripts: non-coding transcript variant (1).
Genome position (GRCh38, 1-based): chr9:123,375,300, G>A. VCF-style: chr9-123375300-G-A. GRCh37 (hg19) VCF-style: chr9-126137579-G-A.
Other names: short protein forms C1197Y.
Identifiers: ClinVar variation 3384474 (VCV003384474.1).

ClinVar aggregate classification (germline): Uncertain significance (1 of 4 stars; one submission).

gnomAD v4.1: 26 of 1,610,944 alleles (0.0016%); highest among the groups gnomAD compares: Non-Finnish European, 0.0022%; no homozygotes.

Submission:

GeneDx
Classification: Uncertain significance. Last evaluated: 2024-06-03. Review status: criteria provided, single submitter. Criteria: GeneDx Variant Classification Process June 2021. Collection method: clinical testing. Allele origin: germline. Affected: yes.
Comment: In silico analysis supports that this missense variant has a deleterious effect on protein structure/function; Has not been previously published as pathogenic or benign to our knowledge